The following is an entry in ClinVar:

NM_000492.4(CFTR):c.1680-992dup

Genes: CFTR (CF transmembrane conductance regulator; plus strand), LOC111674475 (CFTR intron 11 enhancer; plus strand). Cytogenetic location: 7q31.2.
Variant type: Duplication.
Coding change: c.1680-992dup on transcript NM_000492.4 (MANE Select); 992 bases into the intron before coding-DNA position 1680, one base duplicated (T; older notation c.1680-992dupT).
Molecular consequence: intron variant.
Genome position (GRCh38, 1-based): chr7:117,589,361, T duplicated; the last of 5 consecutive T bases (chr7:117,589,357-117,589,361); duplicating any one gives the same sequence. VCF-style (leftmost placement, unchanged base first): chr7-117589356-A-AT. GRCh37 (hg19) VCF-style: chr7-117229410-A-AT.
Identifiers: ClinVar variation 928506 (VCV000928506.1), dbSNP rs1791993504, ClinGen allele CA1139660228.

ClinVar aggregate classification (germline): Uncertain significance (1 of 4 stars; one submission).

Submission:

Women's Health and Genetics/Laboratory Corporation of America, LabCorp
Classification: Uncertain significance. Last evaluated: 2019-10-24. Review status: criteria provided, single submitter. Criteria: LabCorp Variant Classification Summary - May 2015. Collection method: clinical testing. Allele origin: germline.
Comment: Variant summary: CFTR c.1680-992dupT is located at a position not widely known to affect splicing. 5/5 computational tools predict no significant impact on normal splicing. However, these predictions have yet to be confirmed by functional studies. The variant was absent in 31350 control chromosomes (gnomAD). The available data on variant occurrences in the general population are insufficient to allow any conclusion about variant significance. To our knowledge, no occurrence of c.1680-992dupT in individuals affected with Chronic Pancreatitis Risk and no experimental evidence demonstrating its impact on protein function have been reported. No clinical diagnostic laboratories have submitted clinical-significance assessments for this variant to ClinVar after 2014. Based on the evidence outlined above, the variant was classified as uncertain significance.